The following is an entry in ClinVar:

NC_000004.11:g.(?_187208828)_(187208988_?)del

Gene: F11 (coagulation factor XI; plus strand). Cytogenetic location: 4q35.2.
Variant type: Deletion.
Identifiers: ClinVar variation 2422395 (VCV002422395.4).

ClinVar aggregate classification (germline): Pathogenic (1 of 4 stars; one submission).

Submission:

Labcorp Genetics (formerly Invitae), Labcorp
Classification: Pathogenic. Last evaluated: 2022-06-22. Review status: criteria provided, single submitter. Criteria: Invitae Variant Classification Sherloc (09022015). Collection method: clinical testing. Allele origin: germline.
Comment: For these reasons, this variant has been classified as Pathogenic. This variant disrupts a region of the F11 protein in which other variant(s) (p.Lys536Asn) have been determined to be pathogenic (PMID: 11127865, 28960694, 29367083). This suggests that this is a clinically significant region of the protein, and that variants that disrupt it are likely to be disease-causing. This variant has not been reported in the literature in individuals affected with F11-related conditions. This variant is a gross deletion of the genomic region encompassing exon(s) 14 of the F11 gene. While this deletion is not anticipated to lead to nonsense mediated decay, it is expected to disrupt the C-terminus of the protein.

Literature cited by the submitters: PubMed 11127865; PubMed 28960694; PubMed 29367083.